The following is an entry in ClinVar:

NM_000136.3(FANCC):c.686+33C>T

Genes: AOPEP (aminopeptidase O (putative); plus strand), FANCC (FA complementation group C; minus strand). Cytogenetic location: 9q22.32.
Variant type: single nucleotide variant.
Coding change: c.686+33C>T on transcript NM_000136.3 (MANE Select); 33 bases into the intron after coding-DNA position 686, C replaced by T.
Molecular consequence: intron variant.
Genome position (GRCh38, 1-based): chr9:95,149,890, G>A on the plus strand (C>T on the coding strand, the complement: FANCC is on the minus strand). VCF-style: chr9-95149890-G-A. GRCh37 (hg19) VCF-style: chr9-97912172-G-A.
Other names: c.686+33C>T (NM_001243743.2, NM_001243744.2).
Identifiers: ClinVar variation 929810 (VCV000929810.2), dbSNP rs75702013, ClinGen allele CA5137663.

ClinVar aggregate classification (germline): Uncertain significance. Review status: criteria provided, single submitter (1 of 4 stars). 2 submissions from 2 submitters: Uncertain significance (1). 1 of the submissions does not count toward it.

Allele frequency attached by ClinVar (database versions not stated): gnomAD exomes 0.00011 and 0.00030; ExAC 0.00068; 1000 Genomes Project 0.00080; 1000 Genomes Project 30x 0.00094; gnomAD 0.00108 and 0.00118; TOPMed 0.00132; ESP Exome Variant Server 0.00146.
gnomAD v4.1: 318 of 1,568,796 alleles (0.02%); highest among the groups gnomAD compares: African/African-American, 0.37%; no homozygotes.

Submissions (2):

Breakthrough Genomics
Classification: Uncertain significance. Review status: criteria provided, single submitter. Criteria: ACMG Guidelines, 2015. Collection method: not provided. Allele origin: germline. Inheritance: Autosomal recessive inheritance. Affected: yes.

Leiden Open Variation Database
Classification: Uncertain significance. Last evaluated: 2020-02-28. Review status: no assertion criteria provided. Collection method: curation. Allele origin: germline. Affected: yes. Not counted in ClinVar's aggregate classification.
Comment: Curator: Arleen D. Auerbach. Submitter to LOVD: Arleen D. Auerbach.